The following is an entry in ClinVar:

NM_000112.4(SLC26A2):c.1720del (p.Ile574fs)

Gene: SLC26A2 (solute carrier family 26 member 2; plus strand). Cytogenetic location: 5q32.
Variant type: Deletion.
Coding change: c.1720del on transcript NM_000112.4 (MANE Select); coding-DNA position 1720, one base deleted (A; older notation c.1720delA).
Protein change: p.Ile574fs; shifts the reading frame from isoleucine 574.
Molecular consequence: frameshift variant.
Genome position (GRCh38, 1-based): chr5:149,981,313, A deleted. VCF-style (leftmost placement, unchanged base first): chr5-149981312-GA-G. GRCh37 (hg19) VCF-style: chr5-149360875-GA-G.
Other names: short protein forms I574fs.
Identifiers: ClinVar variation 1453912 (VCV001453912.8), dbSNP rs2113699112, ClinGen allele CA2573139280.

ClinVar aggregate classification (germline): Pathogenic (1 of 4 stars; one submission).

Conditions:
Diastrophic dysplasia (DTD). Also called: Diastrophic dwarfism. Identifiers: Orphanet 628, MedGen C0220726, MONDO:0009107, OMIM 222600.
Atelosteogenesis type II (AO2). Also called: NEONATAL OSSEOUS DYSPLASIA I; Neonatal osseous dysplasia 1; SLC26A2-Related Atelosteogenesis. Identifiers: Orphanet 56304, MedGen C1850554, MONDO:0009727, OMIM 256050.
Multiple epiphyseal dysplasia type 4 (EDM4). Also called: Multiple Epiphyseal Dysplasia, Recessive; MULTIPLE EPIPHYSEAL DYSPLASIA WITH BILAYERED PATELLAE; MULTIPLE EPIPHYSEAL DYSPLASIA WITH CLUBFOOT; MULTIPLE EPIPHYSEAL DYSPLASIA, AUTOSOMAL RECESSIVE; SLC26A2-Related Multiple Epiphyseal Dysplasia. Identifiers: Orphanet 93307, MedGen C1847593, MONDO:0009189, OMIM 226900.
Achondrogenesis, type IB (ACG1B). Also called: Achondrogenesis Type 1B. Identifiers: Orphanet 932, Orphanet 93298, MedGen C0265274, MONDO:0010966, OMIM 600972.

Submission:

Labcorp Genetics (formerly Invitae), Labcorp
Classification: Pathogenic for Atelosteogenesis type II; Multiple epiphyseal dysplasia type 4; Achondrogenesis, type IB; Diastrophic dysplasia. Last evaluated: 2023-04-03. Review status: criteria provided, single submitter. Criteria: Invitae Variant Classification Sherloc (09022015). Collection method: clinical testing. Allele origin: germline.
Comment: ClinVar contains an entry for this variant (Variation ID: 1453912). This variant disrupts a region of the SLC26A2 protein in which other variant(s) (p.Glu703Glyfs*9) have been determined to be pathogenic (Invitae). This suggests that this is a clinically significant region of the protein, and that variants that disrupt it are likely to be disease-causing. For these reasons, this variant has been classified as Pathogenic. This variant has not been reported in the literature in individuals affected with SLC26A2-related conditions. This sequence change creates a premature translational stop signal (p.Ile574Leufs*11) in the SLC26A2 gene. While this is not anticipated to result in nonsense mediated decay, it is expected to disrupt the last 166 amino acid(s) of the SLC26A2 protein. This variant is not present in population databases (gnomAD no frequency).